The following is an entry in ClinVar:

NM_001134673.4(NFIA):c.112C>T (p.Arg38Ter)

Gene: NFIA (nuclear factor I A; plus strand). Cytogenetic location: 1p31.3.
Variant type: single nucleotide variant.
Coding change: c.112C>T on transcript NM_001134673.4 (MANE Select); coding-DNA position 112, C replaced by T.
Protein change: p.Arg38Ter; replaces arginine 38 with a stop codon.
Molecular consequence: nonsense.
Genome position (GRCh38, 1-based): chr1:61,088,233, C>T. VCF-style: chr1-61088233-C-T. GRCh37 (hg19) VCF-style: chr1-61553905-C-T.
Other names: c.88C>T, p.Arg30Ter (NM_001145511.2); c.247C>T, p.Arg83Ter (NM_001145512.2); c.112C>T, p.Arg38Ter (NM_005595.5); short protein forms R30*, R38*, R83*.
Identifiers: ClinVar variation 520757 (VCV000520757.8), dbSNP rs1553149167, ClinGen allele CA340586301.
Genomic context (GRCh38, chr1:61,088,233, plus strand): 5'-GCACTTCTGCCCCACGTCCGAGCCTTTGCCTACACATGGTTCAACCTGCAGGCCCGAAAA[C>T]GAAAATACTTCAAAAAACATGAAAAGCGTATGTCAAAAGAAGAAGAGAGAGCCGTGAAGG-3'

ClinVar aggregate classification (germline): Conflicting classifications of pathogenicity. Review status: criteria provided, conflicting classifications (1 of 4 stars). 4 submissions from 4 submitters: Pathogenic (2); Likely pathogenic (1); Uncertain significance (1). Last evaluated 2024-03-21.

Conditions:
Inborn genetic diseases. Identifiers: MedGen C0950123, MeSH D030342.
Brain malformations with or without urinary tract defects. Also called: Brain malformations and urinary tract defects. Identifiers: MedGen C4478940, MONDO:0100478, OMIM 613735.

Allele frequency attached by ClinVar (database versions not stated): gnomAD exomes below 0.00001.

Submissions (4):

Labcorp Genetics (formerly Invitae), Labcorp
Classification: Pathogenic. Last evaluated: 2024-03-21. Review status: criteria provided, single submitter. Criteria: Invitae Variant Classification Sherloc (09022015). Collection method: clinical testing. Allele origin: germline.
Comment: This sequence change creates a premature translational stop signal (p.Arg38*) in the NFIA gene. It is expected to result in an absent or disrupted protein product. Loss-of-function variants in NFIA are known to be pathogenic (PMID: 27081522, 31730271). This variant is not present in population databases (gnomAD no frequency). This variant has not been reported in the literature in individuals affected with NFIA-related conditions. ClinVar contains an entry for this variant (Variation ID: 520757). For these reasons, this variant has been classified as Pathogenic.

Greenwood Genetic Center Diagnostic Laboratories, Greenwood Genetic Center
Classification: Pathogenic for Brain malformations with or without urinary tract defects. Last evaluated: 2023-07-20. Review status: criteria provided, single submitter. Criteria: ACMG Guidelines, 2015. Collection method: clinical testing. Allele origin: germline. Affected: yes.
Comment: PVS1, PM2

Ambry Genetics
Classification: Uncertain significance for Hereditary disease. Last evaluated: 2017-05-08. Review status: criteria provided, single submitter. Criteria: ambry_reporting_categories_2017. Collection method: clinical testing. Allele origin: germline. Affected: yes. Observed: 1 hemizygote. Segregation with disease observed.
Comment: Lines of evidence used in support of classification: UNCERTAIN: Alteration(s) of Uncertain Clinical Significance Detected

Clinical Genetics Service, Universitary Hospital 12 de Octubre
Classification: Likely pathogenic for Brain malformations with or without urinary tract defects. Review status: criteria provided, single submitter. Criteria: ACMG Guidelines, 2015. Collection method: clinical testing. Allele origin: de novo. Affected: yes.

Literature cited by the submitters: PubMed 27081522 (cited by Labcorp Genetics (formerly Invitae), Labcorp and Ambry Genetics); PubMed 31730271 (cited by Labcorp Genetics (formerly Invitae), Labcorp); PubMed 24267886 (cited by Ambry Genetics); PubMed 24462883 (cited by Ambry Genetics); PubMed 24657733 (cited by Ambry Genetics); PubMed 22301465 (cited by Ambry Genetics); PubMed 19058033 (cited by Ambry Genetics); PubMed 10518556 (cited by Ambry Genetics); PubMed 17530927 (cited by Ambry Genetics); PubMed 24098143 (cited by Ambry Genetics); PubMed 20673863 (cited by Ambry Genetics); PubMed 19763616 (cited by Ambry Genetics); PubMed 22542183 (cited by Ambry Genetics).